The following is an entry in ClinVar:

ClinVar aggregate classification (germline): Pathogenic. Review status: criteria provided, multiple submitters, no conflicts (2 of 4 stars). 4 submissions from 4 submitters: Pathogenic (3). 1 of the submissions does not count toward it. Last evaluated 2022-09-20.

Conditions:
Tuberous sclerosis syndrome (TSC). Also called: Tuberous Sclerosis Complex; Tuberous sclerosis. Identifiers: Orphanet 805, MedGen C0041341, MONDO:0001734.
Tuberous sclerosis 1 (TSC1). Identifiers: Orphanet 805, MedGen C1854465, MONDO:0008612, OMIM 191100.

Submissions (4):

Labcorp Genetics (formerly Invitae), Labcorp
Classification: Pathogenic for Tuberous sclerosis 1. Last evaluated: 2022-09-20. Review status: criteria provided, single submitter. Criteria: Invitae Variant Classification Sherloc (09022015). Collection method: clinical testing. Allele origin: germline.
Comment: This sequence change creates a premature translational stop signal (p.Gln765*) in the TSC1 gene. It is expected to result in an absent or disrupted protein product. Loss-of-function variants in TSC1 are known to be pathogenic (PMID: 10227394, 17304050). This variant is not present in population databases (gnomAD no frequency). This premature translational stop signal has been observed in individual(s) with tuberous sclerosis complex (PMID: 9803264, 25117416, 29261847). ClinVar contains an entry for this variant (Variation ID: 48934). For these reasons, this variant has been classified as Pathogenic.

Genome-Nilou Lab
Classification: Pathogenic for Tuberous sclerosis 1. Last evaluated: 2021-11-07. Review status: criteria provided, single submitter. Criteria: ACMG Guidelines, 2015. Collection method: clinical testing. Allele origin: germline. Affected: no.

GeneDx
Classification: Pathogenic. Last evaluated: 2017-04-24. Review status: criteria provided, single submitter. Criteria: GeneDx Variant Classification (06012015). Collection method: clinical testing. Allele origin: germline. Affected: yes.
Comment: The Q765X nonsense variant in the TSC1 gene has been reported multiple times previously inassociation with tuberous sclerosis complex (TSC) (TSC1 LOVD Database; Chatterjee et al., 2015;Young et al., 1998, Kwiatkowski et al., 2015). This pathogenic variant is predicted to cause loss ofnormal protein function either through protein truncation or nonsense mediated mRNA decay. TheQ765X variant is not observed in large population cohorts (Lek et al., 2016; 1000 GenomesConsortium et al., 2015; Exome Variant Server).

Tuberous sclerosis database (TSC1)
No classification provided. Condition: TSC. Review status: no classification provided. Criteria: Tuberous Sclerosis Database Assertion Criteria 2015. Collection method: curation. Allele origin: germline. Affected: yes. Not counted in ClinVar's aggregate classification.

Literature cited by the submitters: PubMed 10227394 (cited by Labcorp Genetics (formerly Invitae), Labcorp); PubMed 17304050 (cited by Labcorp Genetics (formerly Invitae), Labcorp); PubMed 9803264 (cited by Labcorp Genetics (formerly Invitae), Labcorp); PubMed 25117416 (cited by Labcorp Genetics (formerly Invitae), Labcorp); PubMed 29261847 (cited by Labcorp Genetics (formerly Invitae), Labcorp).

NM_000368.5(TSC1):c.2293C>T (p.Gln765Ter)

Gene: TSC1 (TSC complex subunit 1; minus strand). Cytogenetic location: 9q34.13.
Variant type: single nucleotide variant.
Coding change: c.2293C>T on transcript NM_000368.5 (MANE Select); coding-DNA position 2293, C replaced by T.
Protein change: p.Gln765Ter; replaces glutamine 765 with a stop codon.
Molecular consequence: nonsense.
Genome position (GRCh38, 1-based): chr9:132,902,703, G>A on the plus strand (C>T on the coding strand, the complement: TSC1 is on the minus strand). VCF-style: chr9-132902703-G-A. GRCh37 (hg19) VCF-style: chr9-135778090-G-A.
Other names: c.2290C>T, p.Gln764Ter (NM_001162426.2); c.2140C>T, p.Gln714Ter (NM_001162427.2); c.1930C>T, p.Gln644Ter (NM_001362177.2); short protein forms Q765*, Q644*, Q714*, Q764*.
Identifiers: ClinVar variation 48934 (VCV000048934.11), dbSNP rs118203673, ClinGen allele CA006259.